The following is an entry in ClinVar:

ClinVar aggregate classification (germline): Conflicting classifications of pathogenicity. Review status: criteria provided, conflicting classifications (1 of 4 stars). 6 submissions from 6 submitters: Uncertain significance (4); Likely benign (1). 1 of the submissions does not count toward it. Last evaluated 2025-11-29.

Conditions:
ADAMTS13-related disorder. Also called: ADAMTS13-related condition.
Inborn genetic diseases. Identifiers: MedGen C0950123, MeSH D030342.
Upshaw-Schulman syndrome (TTP). Also called: Congenital thrombotic thrombocytopenic purpura; THROMBOTIC THROMBOCYTOPENIC PURPURA, HEREDITARY. Identifiers: Orphanet 93583, MedGen C1268935, MONDO:0010122, OMIM 274150.

Allele frequency attached by ClinVar (database versions not stated): gnomAD 0.00020; TOPMed 0.00029; 1000 Genomes Project 0.00040; ESP Exome Variant Server 0.00046; 1000 Genomes Project 30x 0.00047.

Submissions (6):

Labcorp Genetics (formerly Invitae), Labcorp
Classification: Likely benign. Last evaluated: 2025-11-29. Review status: criteria provided, single submitter. Criteria: Invitae Variant Classification Sherloc (09022015). Collection method: clinical testing. Allele origin: germline.

Ambry Genetics
Classification: Uncertain significance for Inborn genetic diseases. Last evaluated: 2024-01-23. Review status: criteria provided, single submitter. Criteria: Ambry Variant Classification Scheme 2023. Collection method: clinical testing. Allele origin: germline.

Fulgent Genetics
Classification: Uncertain significance for Upshaw-Schulman syndrome. Last evaluated: 2022-01-10. Review status: criteria provided, single submitter. Criteria: ACMG Guidelines, 2015. Collection method: clinical testing. Allele origin: unknown.

GeneDx
Classification: Uncertain significance. Last evaluated: 2019-05-29. Review status: criteria provided, single submitter. Criteria: GeneDx Variant Classification Process June 2021. Collection method: clinical testing. Allele origin: germline. Affected: yes.
Comment: Has not been previously published as pathogenic or benign to our knowledge; In silico analysis, which includes protein predictors and evolutionary conservation, supports that this variant does not alter protein structure/function

Genetic Services Laboratory, University of Chicago
Classification: Uncertain significance. Last evaluated: 2019-05-14. Review status: criteria provided, single submitter. Criteria: ACMG Guidelines, 2015. Collection method: clinical testing. Allele origin: germline. Affected: no.

PreventionGenetics, part of Exact Sciences
Classification: Uncertain significance for ADAMTS13-related condition. Last evaluated: 2024-08-08. Review status: no assertion criteria provided. Collection method: clinical testing. Allele origin: germline. Not counted in ClinVar's aggregate classification.
Comment: The ADAMTS13 c.2686G>A variant is predicted to result in the amino acid substitution p.Val896Met. To our knowledge, this variant has not been reported in the literature. This variant is reported in 0.069% of alleles in individuals of African descent in gnomAD. At this time, the clinical significance of this variant is uncertain due to the absence of conclusive functional and genetic evidence.

NM_139027.6(ADAMTS13):c.2686G>A (p.Val896Met)

Gene: ADAMTS13 (ADAM metallopeptidase with thrombospondin type 1 motif 13; plus strand). Cytogenetic location: 9q34.2.
Variant type: single nucleotide variant.
Coding change: c.2686G>A on transcript NM_139027.6 (MANE Select); coding-DNA position 2686, G replaced by A.
Protein change: p.Val896Met; replaces valine 896 with methionine.
Molecular consequence: missense variant. On other transcripts: non-coding transcript variant (1).
Genome position (GRCh38, 1-based): chr9:133,445,774, G>A. VCF-style: chr9-133445774-G-A. GRCh37 (hg19) VCF-style: chr9-136310895-G-A.
Other names: c.2686G>A, p.Val896Met (NM_139025.5); c.2593G>A, p.Val865Met (NM_139026.6); short protein forms V865M, V896M.
Identifiers: ClinVar variation 1306208 (VCV001306208.12), dbSNP rs147732725, ClinGen allele CA200936784.